The following is an entry in ClinVar:

ClinVar aggregate classification (germline): Benign (1 of 4 stars; one submission).

Allele frequency attached by ClinVar (database versions not stated): 1000 Genomes Project 0.02736; 1000 Genomes Project 30x 0.02795; gnomAD 0.04493 and 0.04598; TOPMed 0.04651.
gnomAD v4.1: 6,898 of 152,300 alleles (4.5%); highest among the groups gnomAD compares: Non-Finnish European, 6.8%; 212 homozygotes.

Submission:

GeneDx
Classification: Benign. Last evaluated: 2018-06-12. Review status: criteria provided, single submitter. Criteria: GeneDx Variant Classification (06012015). Collection method: clinical testing. Allele origin: germline. Affected: yes.
Comment: This variant is considered likely benign or benign based on one or more of the following criteria: it is a conservative change, it occurs at a poorly conserved position in the protein, it is predicted to be benign by multiple in silico algorithms, and/or has population frequency not consistent with disease.

NM_000368.5(TSC1):c.2208+171A>G

Gene: TSC1 (TSC complex subunit 1; minus strand). Cytogenetic location: 9q34.13.
Variant type: single nucleotide variant.
Coding change: c.2208+171A>G on transcript NM_000368.5 (MANE Select); 171 bases into the intron after coding-DNA position 2208, A replaced by G.
Molecular consequence: intron variant.
Genome position (GRCh38, 1-based): chr9:132,903,480, T>C on the plus strand (A>G on the coding strand, the complement: TSC1 is on the minus strand). VCF-style: chr9-132903480-T-C. GRCh37 (hg19) VCF-style: chr9-135778867-T-C.
Other names: c.1845+171A>G (NM_001362177.2); c.2055+171A>G (NM_001162427.2); c.2205+171A>G (NM_001162426.2).
Identifiers: ClinVar variation 677248 (VCV000677248.1), dbSNP rs2519757, ClinGen allele CA200886489.